The following is an entry in ClinVar:

NM_001374828.1(ARID1B):c.6227G>C (p.Arg2076Pro)

Gene: ARID1B (AT-rich interaction domain 1B; plus strand). Cytogenetic location: 6q25.3.
Variant type: single nucleotide variant.
Coding change: c.6227G>C on transcript NM_001374828.1 (MANE Select); coding-DNA position 6227, G replaced by C.
Protein change: p.Arg2076Pro; replaces arginine 2076 with proline.
Molecular consequence: missense variant.
Genome position (GRCh38, 1-based): chr6:157,206,999, G>C. VCF-style: chr6-157206999-G-C. GRCh37 (hg19) VCF-style: chr6-157528133-G-C.
Other names: c.5858G>C (NM_020732.3); c.3728G>C, p.Arg1243Pro (NM_001363725.2); c.6107G>C, p.Arg2036Pro (NM_001371656.1, NM_001374820.1); c.6068G>C, p.Arg2023Pro (NM_017519.3); short protein forms R1243P, R2023P, R2036P, R2076P.
Identifiers: ClinVar variation 3252257 (VCV003252257.1), dbSNP rs1351633854.

ClinVar aggregate classification (germline): Pathogenic (1 of 4 stars; one submission).

Submission:

GeneDx
Classification: Pathogenic. Last evaluated: 2023-12-06. Review status: criteria provided, single submitter. Criteria: GeneDx Variant Classification Process June 2021. Collection method: clinical testing. Allele origin: germline. Affected: yes.
Comment: Not observed at significant frequency in large population cohorts (gnomAD); In silico analysis, which includes protein predictors and evolutionary conservation, supports a deleterious effect; Has not been previously published as pathogenic or benign to our knowledge